The following continues an entry in ClinVar:

NM_002834.5(PTPN11):c.174C>G (p.Asn58Lys)

Gene: PTPN11. ClinVar aggregate classification (germline): Pathogenic/Likely pathogenic. Pathogenic (12); Likely pathogenic (1).

Submissions 11 to 13 of 13:

Fulgent Genetics
Classification: Pathogenic for LEOPARD syndrome 1; Metachondromatosis; Noonan syndrome 1; Juvenile myelomonocytic leukemia. Last evaluated: 2017-05-18. Review status: criteria provided, single submitter. Criteria: ACMG Guidelines, 2015. Collection method: clinical testing. Allele origin: unknown.

Women's Health and Genetics/Laboratory Corporation of America, LabCorp
Classification: Pathogenic for RASopathy. Last evaluated: 2017-04-03. Review status: criteria provided, single submitter. Criteria: LabCorp Variant Classification Summary - May 2015. Collection method: clinical testing. Allele origin: germline.
Comment: Variant summary: The PTPN11 c.174C>G (p.Asn58Lys) variant located in the mutational hotspot, SH2 domain, involves the alteration of a non-conserved nucleotide and by 4/4 in-silico tools (SNPs&GO not captured due to low reliability index) predict a damaging outcome, although these predictions have yet to be functionally assessed. This variant is absent in 122184 control chromosomes including broad and large populations from ExAC. Publications have cited this variant as a pathogenic variant and has been detected in several patients with Noonans syndrome, including multiple instances of a de novo origin (Musante_2003, Tartaglia_2006, Derbent_2010, Digilio_2011, Ezquieta_2012, Croonen_2012, Coromilas_2015, and Cizmarova_2015). Other missense variants at this residue (N58Y, N58D, N58H, and N58S) are reported in association with Noonan syndrome and are classified as pathogenic/likely pathogenic by submitters in ClinVar, strongly suggesting that the codon itself is a mutational hotspot. In addition, multiple clinical diagnostic laboratories/reputable databases have classified this variant as pathogenic/likely pathogenic. Taken together, this variant is classified as Pathogenic.

UCLA Clinical Genomics Center, UCLA
Classification: Likely pathogenic for Noonan syndrome 1. Last evaluated: 2012-12-04. Review status: criteria provided, single submitter. Criteria: Lee et al. (JAMA. 2014). Collection method: clinical testing. Allele origin: unknown. Inheritance: Autosomal dominant inheritance. Affected: yes. Study: CES.

Literature cited by the submitters: PubMed 12634870 (cited by 4 submitters); PubMed 15001945 (cited by 3billion and Labcorp Genetics (formerly Invitae), Labcorp); PubMed 18470943 (cited by Institute for Genomic Medicine (IGM) Clinical Laboratory, Nationwide Children's Hospital); PubMed 25914815 (cited by Institute for Genomic Medicine (IGM) Clinical Laboratory, Nationwide Children's Hospital and Women's Health and Genetics/Laboratory Corporation of America, LabCorp); PubMed 29907801 (cited by Institute for Genomic Medicine (IGM) Clinical Laboratory, Nationwide Children's Hospital); PubMed 32164556 (cited by Institute for Genomic Medicine (IGM) Clinical Laboratory, Nationwide Children's Hospital); PubMed 23321623 (cited by 3 submitters); PubMed 20954246 (cited by Labcorp Genetics (formerly Invitae), Labcorp and Women's Health and Genetics/Laboratory Corporation of America, LabCorp); PubMed 22190897 (cited by Labcorp Genetics (formerly Invitae), Labcorp and Women's Health and Genetics/Laboratory Corporation of America, LabCorp); PubMed 16263833 (cited by Labcorp Genetics (formerly Invitae), Labcorp); PubMed 19125092 (cited by Labcorp Genetics (formerly Invitae), Labcorp); PubMed 15928039 (cited by Laboratory for Molecular Medicine, Mass General Brigham Personalized Medicine); PubMed 16358218 (cited by Laboratory for Molecular Medicine, Mass General Brigham Personalized Medicine and Women's Health and Genetics/Laboratory Corporation of America, LabCorp); PubMed 18286234 (cited by Women's Health and Genetics/Laboratory Corporation of America, LabCorp); PubMed 15723289 (cited by Women's Health and Genetics/Laboratory Corporation of America, LabCorp); PubMed 26607044 (cited by Women's Health and Genetics/Laboratory Corporation of America, LabCorp).